The following is an entry in ClinVar:

ClinVar aggregate classification (germline): Likely benign. Review status: criteria provided, multiple submitters, no conflicts (2 of 4 stars). 3 submissions from 3 submitters: Likely benign (3). Last evaluated 2025-08-04.

Conditions:
Retinoblastoma (RB1). Also called: RETINOBLASTOMA, SOMATIC. Identifiers: Orphanet 790, MedGen C0035335, MeSH D012175, MONDO:0008380, OMIM 180200, HP:0009919. Disease mechanism: loss of function. Inheritance: Both sporadic and heritable forms are tested..
Hereditary cancer-predisposing syndrome. Also called: Hereditary Cancer Syndrome; Tumor predisposition; Hereditary neoplastic syndrome; Neoplastic Syndromes, Hereditary. Identifiers: Orphanet 140162, MedGen C0027672, MeSH D009386, MONDO:0015356.

Submissions (3):

Ambry Genetics
Classification: Likely benign for Hereditary cancer-predisposing syndrome. Last evaluated: 2025-08-04. Review status: criteria provided, single submitter. Criteria: Ambry Variant Classification Scheme 2023. Collection method: clinical testing. Allele origin: germline.

Labcorp Genetics (formerly Invitae), Labcorp
Classification: Likely benign for Retinoblastoma. Last evaluated: 2025-03-21. Review status: criteria provided, single submitter. Criteria: Invitae Variant Classification Sherloc (09022015). Collection method: clinical testing. Allele origin: germline.

All of Us Research Program, National Institutes of Health
Classification: Likely benign for Retinoblastoma. Last evaluated: 2023-05-30. Review status: criteria provided, single submitter. Criteria: ACMG Guidelines, 2015. Collection method: clinical testing. Allele origin: germline. Inheritance: Autosomal dominant inheritance. Observed: 1 variant allele, 1 heterozygote.
Comment: This study involves interpretation of variants in research participants for the purpose of population health screening. Participant phenotype was not available at the time of variant classification. Additional details can be found in publication PMID: 35346344, PMCID: PMC8962531

NM_000321.3(RB1):c.2388C>T (p.Pro796=)

Gene: RB1 (RB transcriptional corepressor 1; plus strand). Cytogenetic location: 13q14.2.
Variant type: single nucleotide variant.
Coding change: c.2388C>T on transcript NM_000321.3 (MANE Select); coding-DNA position 2388, C replaced by T.
Protein change: p.Pro796=; no amino-acid change (proline 796 retained).
Molecular consequence: synonymous variant.
Genome position (GRCh38, 1-based): chr13:48,465,267, C>T. VCF-style: chr13-48465267-C-T. GRCh37 (hg19) VCF-style: chr13-49039403-C-T.
Other names: c.2388C>T, p.Pro796= (NM_001407165.1).
Identifiers: ClinVar variation 2189654 (VCV002189654.6), dbSNP rs2542375854, ClinGen allele CA483740238.